The following is an entry in ClinVar:

NM_015971.3(MRPS7):c.-50G>A

Genes: GGA3 (golgi associated, gamma adaptin ear containing, ARF binding protein 3; minus strand), MRPS7 (mitochondrial ribosomal protein S7; plus strand). Cytogenetic location: 17q25.1.
Variant type: single nucleotide variant.
Coding change: c.-50G>A on transcript NM_015971.3; 50 bases upstream of the start codon, G replaced by A.
Molecular consequence: intron variant (on NM_001172704.3).
Genome position (GRCh38, 1-based): chr17:75,261,851, G>A. VCF-style: chr17-75261851-G-A. GRCh37 (hg19) VCF-style: chr17-73257932-G-A.
Other names: c.-228+431C>T (NM_001172704.3); c.-177+431C>T (NM_001172703.3).
Identifiers: ClinVar variation 507137 (VCV000507137.3), dbSNP rs1555594435, ClinGen allele CA658798968.
Genomic context (GRCh38, chr17:75,261,851, plus strand): 5'-GTGGAGAGAAACGCAGATTTAGGACCCTGAGGAGTCTTTTTCACCCGTTTCCCGTCACTC[G>A]CTCAGGCGCGCCGAGGGCAGTCCTTGTGGGGTCCTCGTGGCCAGCCAAGATGGCTGCCCC-3'

ClinVar aggregate classification (germline): Likely benign (1 of 4 stars; one submission).

Allele frequency attached by ClinVar (database versions not stated): gnomAD exomes below 0.00001.

Submission:

GeneDx
Classification: Likely benign. Last evaluated: 2017-02-08. Review status: criteria provided, single submitter. Criteria: GeneDx Variant Classification (06012015). Collection method: clinical testing. Allele origin: germline. Affected: yes.
Comment: This variant is considered likely benign or benign based on one or more of the following criteria: it is a conservative change, it occurs at a poorly conserved position in the protein, it is predicted to be benign by multiple in silico algorithms, and/or has population frequency not consistent with disease.